The following is an entry in ClinVar:

NM_002470.4(MYH3):c.4961C>T (p.Thr1654Met)

Gene: MYH3 (myosin heavy chain 3; minus strand). Cytogenetic location: 17p13.1.
Variant type: single nucleotide variant.
Coding change: c.4961C>T on transcript NM_002470.4 (MANE Select); coding-DNA position 4961, C replaced by T.
Protein change: p.Thr1654Met; replaces threonine 1654 with methionine.
Molecular consequence: missense variant.
Genome position (GRCh38, 1-based): chr17:10,632,012, G>A on the plus strand (C>T on the coding strand, the complement: MYH3 is on the minus strand). VCF-style: chr17-10632012-G-A. GRCh37 (hg19) VCF-style: chr17-10535329-G-A.
Other names: short protein forms T1654M.
Identifiers: ClinVar variation 1525952 (VCV001525952.6), dbSNP rs190188728, ClinGen allele CA8392076.

ClinVar aggregate classification (germline): Uncertain significance (1 of 4 stars; one submission).

Allele frequency attached by ClinVar (database versions not stated): gnomAD 0.00002 and 0.00001; TOPMed 0.00003; 1000 Genomes Project 0.00040; 1000 Genomes Project 30x 0.00047; gnomAD exomes below 0.00001 and 0.00001; ExAC 0.00001.
gnomAD v4.1: 10 of 1,613,284 alleles (0.00062%); highest among the groups gnomAD compares: East Asian, 0.0045%; no homozygotes.

Submission:

Labcorp Genetics (formerly Invitae), Labcorp
Classification: Uncertain significance. Last evaluated: 2025-09-25. Review status: criteria provided, single submitter. Criteria: Invitae Variant Classification Sherloc (09022015). Collection method: clinical testing. Allele origin: germline.
Comment: This sequence change replaces threonine, which is neutral and polar, with methionine, which is neutral and non-polar, at codon 1654 of the MYH3 protein (p.Thr1654Met). This variant is present in population databases (rs190188728, gnomAD 0.005%). This variant has not been reported in the literature in individuals affected with MYH3-related conditions. ClinVar contains an entry for this variant (Variation ID: 1525952). Invitae Evidence Modeling of protein sequence and biophysical properties (such as structural, functional, and spatial information, amino acid conservation, physicochemical variation, residue mobility, and thermodynamic stability) indicates that this missense variant is not expected to disrupt MYH3 protein function with a negative predictive value of 95%. In summary, the available evidence is currently insufficient to determine the role of this variant in disease. Therefore, it has been classified as a Variant of Uncertain Significance.